The following is an entry in ClinVar:

ClinVar aggregate classification (germline): Uncertain significance. Review status: criteria provided, single submitter (1 of 4 stars). 2 submissions from 2 submitters: Uncertain significance (1). 1 of the submissions does not count toward it. Last evaluated 2021-12-29.

Conditions:
BBS12-related disorder. Also called: BBS12-related condition.
Bardet-Biedl syndrome (BBS). Identifiers: Orphanet 110, MedGen C0752166, MONDO:0015229.

Allele frequency attached by ClinVar (database versions not stated): gnomAD 0.00001; gnomAD exomes 0.00001; TOPMed 0.00001.
gnomAD v4.1: 13 of 1,614,084 alleles (0.00081%); highest among the groups gnomAD compares: African/African-American, 0.0027%; no homozygotes.

Submissions (2):

Labcorp Genetics (formerly Invitae), Labcorp
Classification: Uncertain significance for Bardet-Biedl syndrome. Last evaluated: 2021-12-29. Review status: criteria provided, single submitter. Criteria: Invitae Variant Classification Sherloc (09022015). Collection method: clinical testing. Allele origin: germline.
Comment: This sequence change replaces tyrosine, which is neutral and polar, with cysteine, which is neutral and slightly polar, at codon 604 of the BBS12 protein (p.Tyr604Cys). This variant is present in population databases (no rsID available, gnomAD 0.007%). This variant has not been reported in the literature in individuals affected with BBS12-related conditions. Algorithms developed to predict the effect of missense changes on protein structure and function output the following: SIFT: "Tolerated"; PolyPhen-2: "Benign"; Align-GVGD: "Class C0". The cysteine amino acid residue is found in multiple mammalian species, which suggests that this missense change does not adversely affect protein function. In summary, the available evidence is currently insufficient to determine the role of this variant in disease. Therefore, it has been classified as a Variant of Uncertain Significance.

PreventionGenetics, part of Exact Sciences
Classification: Uncertain significance for BBS12-related condition. Last evaluated: 2024-04-30. Review status: no assertion criteria provided. Collection method: clinical testing. Allele origin: germline. Not counted in ClinVar's aggregate classification.
Comment: The BBS12 c.1811A>G variant is predicted to result in the amino acid substitution p.Tyr604Cys. To our knowledge, this variant has not been reported in the literature. This variant is reported in 0.0065% of alleles in individuals of European (Non-Finnish) descent in gnomAD. At this time, the clinical significance of this variant is uncertain due to the absence of conclusive functional and genetic evidence.

NM_152618.3(BBS12):c.1811A>G (p.Tyr604Cys)

Gene: BBS12 (Bardet-Biedl syndrome 12; plus strand). Cytogenetic location: 4q27.
Variant type: single nucleotide variant.
Coding change: c.1811A>G on transcript NM_152618.3 (MANE Select); coding-DNA position 1811, A replaced by G.
Protein change: p.Tyr604Cys; replaces tyrosine 604 with cysteine.
Molecular consequence: missense variant.
Genome position (GRCh38, 1-based): chr4:122,743,703, A>G. VCF-style: chr4-122743703-A-G. GRCh37 (hg19) VCF-style: chr4-123664858-A-G.
Other names: c.1811A>G, p.Tyr604Cys (NM_001178007.2); c.1811A>G (NM_152618.2); short protein forms Y604C.
Identifiers: ClinVar variation 2181684 (VCV002181684.2), dbSNP rs1374978369, ClinGen allele CA358225925.